The following is an entry in ClinVar:

NM_001271.4(CHD2):c.5268G>C (p.Gln1756His)

Gene: CHD2 (chromodomain helicase DNA binding protein 2; plus strand). Cytogenetic location: 15q26.1.
Variant type: single nucleotide variant.
Coding change: c.5268G>C on transcript NM_001271.4 (MANE Select); coding-DNA position 5268, G replaced by C.
Protein change: p.Gln1756His; replaces glutamine 1756 with histidine.
Molecular consequence: missense variant.
Genome position (GRCh38, 1-based): chr15:93,024,486, G>C. VCF-style: chr15-93024486-G-C. GRCh37 (hg19) VCF-style: chr15-93567716-G-C.
Other names: short protein forms Q1756H.
Identifiers: ClinVar variation 377653 (VCV000377653.41), dbSNP rs201950393, ClinGen allele CA7748714.
Genomic context (GRCh38, chr15:93,024,486, plus strand): 5'-CCACCAGCAGGATTTCCGACGAATGTCTGATCACCGCCCCGCTATGGGCTACCATGGCCA[G>C]GGACCCTCAGACCATTACCGCTCTTTCCACACAGATAAACTGGGGGAATATAAACAGCCT-3'
Protein context (NP_001262.3, residues 1746-1766): DHRPAMGYHG[Gln1756His]GPSDHYRSFH

ClinVar aggregate classification (germline): Benign/Likely benign. Review status: criteria provided, multiple submitters, no conflicts (2 of 4 stars). 7 submissions from 7 submitters: Benign (2); Likely benign (4). 1 of the submissions does not count toward it. Last evaluated 2026-06-01.

Conditions:
Inborn genetic diseases. Identifiers: MedGen C0950123, MeSH D030342.
Developmental and epileptic encephalopathy 94 (DEE94). Also called: Epileptic encephalopathy, childhood-onset; CHD2-Related Neurodevelopmental Disorders. Identifiers: Orphanet 1942, Orphanet 2382, MedGen C3809278, MONDO:0014150, OMIM 615369.
CHD2-related disorder. Also called: CHD2-related condition.

Allele frequency attached by ClinVar (database versions not stated): gnomAD 0.00029 and 0.00030; TOPMed 0.00038; ESP Exome Variant Server 0.00041.
gnomAD v4.1: 1,004 of 1,614,170 alleles (0.062%); highest among the groups gnomAD compares: Non-Finnish European, 0.079%; 1 homozygote.

Submissions (7):

CeGaT Center for Human Genetics Tuebingen
Classification: Likely benign. Last evaluated: 2026-06-01. Review status: criteria provided, single submitter. Criteria: CeGaT Center For Human Genetics Tuebingen Variant Classification Criteria Version 2. Collection method: clinical testing. Allele origin: germline. Affected: yes. Observed: 5 variant alleles.
Comment: CHD2: BS1

Labcorp Genetics (formerly Invitae), Labcorp
Classification: Benign for Developmental and epileptic encephalopathy 94. Last evaluated: 2026-01-26. Review status: criteria provided, single submitter. Criteria: Invitae Variant Classification Sherloc (09022015). Collection method: clinical testing. Allele origin: germline.

Blueprint Genetics
Classification: Likely benign. Last evaluated: 2024-08-16. Review status: criteria provided, single submitter. Criteria: ACMG Guidelines, 2015. Collection method: clinical testing. Allele origin: germline.

Ambry Genetics
Classification: Likely benign for Inborn genetic diseases. Last evaluated: 2024-03-05. Review status: criteria provided, single submitter. Criteria: Ambry Variant Classification Scheme 2023. Collection method: clinical testing. Allele origin: germline.

GeneDx
Classification: Benign. Last evaluated: 2019-04-22. Review status: criteria provided, single submitter. Criteria: GeneDx Variant Classification Process June 2021. Collection method: clinical testing. Allele origin: germline. Affected: yes.

Athena Diagnostics
Classification: Likely benign. Last evaluated: 2018-12-28. Review status: criteria provided, single submitter. Criteria: Athena Diagnostics Criteria. Collection method: clinical testing. Allele origin: germline.

PreventionGenetics, part of Exact Sciences
Classification: Likely benign for CHD2-related condition. Last evaluated: 2023-10-13. Review status: no assertion criteria provided. Collection method: clinical testing. Allele origin: germline. Not counted in ClinVar's aggregate classification.
Comment: This variant is classified as likely benign based on ACMG/AMP sequence variant interpretation guidelines (Richards et al. 2015 PMID: 25741868, with internal and published modifications).